The following is an entry in ClinVar:

ClinVar aggregate classification (germline): Uncertain significance (1 of 4 stars; one submission).

gnomAD v4.1: 5 of 1,612,462 alleles (0.00031%); highest among the groups gnomAD compares: Non-Finnish European, 0.00034%; no homozygotes.

Submission:

GeneDx
Classification: Uncertain significance. Last evaluated: 2024-12-03. Review status: criteria provided, single submitter. Criteria: GeneDx Variant Classification Process June 2021. Collection method: clinical testing. Allele origin: germline. Affected: yes.
Comment: Not observed at significant frequency in large population cohorts (gnomAD); Missense variant in a gene in which most reported pathogenic variants are truncating/loss of function; Has not been previously published as pathogenic or benign to our knowledge; This variant is associated with the following publications: (PMID: 23975875)

NM_001267550.2(TTN):c.63571C>G (p.Pro21191Ala)

Genes: TTN (titin; minus strand), TTN-AS1 (TTN antisense RNA 1; plus strand). Cytogenetic location: 2q31.2.
Variant type: single nucleotide variant.
Coding change: c.63571C>G on transcript NM_001267550.2 (MANE Select); coding-DNA position 63571, C replaced by G.
Protein change: p.Pro21191Ala; replaces proline 21191 with alanine.
Molecular consequence: missense variant.
Genome position (GRCh38, 1-based): chr2:178,587,738, G>C on the plus strand (C>G on the coding strand, the complement: TTN is on the minus strand). VCF-style: chr2-178587738-G-C. GRCh37 (hg19) VCF-style: chr2-179452465-G-C.
Other names: c.58648C>G, p.Pro19550Ala (NM_001256850.1); c.36376C>G, p.Pro12126Ala (NM_003319.4); c.55867C>G, p.Pro18623Ala (NM_133378.4); c.36751C>G, p.Pro12251Ala (NM_133432.3); c.36952C>G, p.Pro12318Ala (NM_133437.4); short protein forms P12318A, P18623A, P19550A, P21191A, P12126A, P12251A.
Identifiers: ClinVar variation 3901663 (VCV003901663.1).